The following is an entry in ClinVar:

NM_030962.4(SBF2):c.2783G>T (p.Arg928Ile)

Genes: SBF2 (SET binding factor 2; minus strand), LOC101928008 (uncharacterized LOC101928008; plus strand). Cytogenetic location: 11p15.4.
Variant type: single nucleotide variant.
Coding change: c.2783G>T on transcript NM_030962.4 (MANE Select); coding-DNA position 2783, G replaced by T.
Protein change: p.Arg928Ile; replaces arginine 928 with isoleucine.
Molecular consequence: missense variant.
Genome position (GRCh38, 1-based): chr11:9,850,046, C>A on the plus strand (G>T on the coding strand, the complement: SBF2 is on the minus strand). VCF-style: chr11-9850046-C-A. GRCh37 (hg19) VCF-style: chr11-9871593-C-A.
Other names: c.2783G>T, p.Arg928Ile (NM_001386339.1); c.2654G>T, p.Arg885Ile (NM_001386342.1); c.2819G>T, p.Arg940Ile (NM_001424318.1, NM_001425069.1, NM_001425070.1); short protein forms R885I, R928I, R940I.
Identifiers: ClinVar variation 2771610 (VCV002771610.3), dbSNP rs2494824583, ClinGen allele CA379635398.

ClinVar aggregate classification (germline): Uncertain significance (1 of 4 stars; one submission).

Conditions:
Charcot-Marie-Tooth disease type 4. Also called: Charcot-Marie-Tooth, Type 4; Charcot-Marie-Tooth disease, type IV. Identifiers: Orphanet 64749, MedGen C4082197, MONDO:0018995.

Submission:

Labcorp Genetics (formerly Invitae), Labcorp
Classification: Uncertain significance for Charcot-Marie-Tooth disease type 4. Last evaluated: 2023-10-24. Review status: criteria provided, single submitter. Criteria: Invitae Variant Classification Sherloc (09022015). Collection method: clinical testing. Allele origin: germline.
Comment: This sequence change replaces arginine, which is basic and polar, with isoleucine, which is neutral and non-polar, at codon 928 of the SBF2 protein (p.Arg928Ile). This variant is not present in population databases (gnomAD no frequency). This variant has not been reported in the literature in individuals affected with SBF2-related conditions. Advanced modeling of protein sequence and biophysical properties (such as structural, functional, and spatial information, amino acid conservation, physicochemical variation, residue mobility, and thermodynamic stability) performed at Invitae indicates that this missense variant is not expected to disrupt SBF2 protein function with a negative predictive value of 80%. In summary, the available evidence is currently insufficient to determine the role of this variant in disease. Therefore, it has been classified as a Variant of Uncertain Significance.